The following is an entry in ClinVar:

NM_001394998.1(TANC2):c.1344C>T (p.Phe448=)

Gene: TANC2 (tetratricopeptide repeat, ankyrin repeat and coiled-coil containing 2; plus strand). Cytogenetic location: 17q23.3.
Variant type: single nucleotide variant.
Coding change: c.1344C>T on transcript NM_001394998.1 (MANE Select); coding-DNA position 1344, C replaced by T.
Protein change: p.Phe448=; no amino-acid change (phenylalanine 448 retained).
Molecular consequence: synonymous variant.
Genome position (GRCh38, 1-based): chr17:63,314,572, C>T. VCF-style: chr17-63314572-C-T. GRCh37 (hg19) VCF-style: chr17-61391933-C-T.
Other names: c.1122C>T, p.Phe374= (NM_001411076.1, NM_025185.4).
Identifiers: ClinVar variation 3034648 (VCV003034648.2), dbSNP rs770439367, ClinGen allele CA8697557.
Genomic context (GRCh38, chr17:63,314,572, plus strand): 5'-ACTTCAAAGTTCAAATGCCAGCGTGAACCAAGGAGTAGTGATTGTGGGAAACATTGGATT[C>T]GGCAAAACTGCCATCATCTCCAGACTGGTGGCCCTCAGCTGCCATGGTACAAGGATGAGA-3'
Protein context (NP_001381927.1, residues 438-458): QGVVIVGNIG[Phe448=]GKTAIISRLV

ClinVar aggregate classification (germline): Likely benign (0 of 4 stars; one submission).

Conditions:
TANC2-related disorder. Also called: TANC2-related condition.

Allele frequency attached by ClinVar (database versions not stated): ExAC 0.00001; gnomAD exomes 0.00001; gnomAD 0.00018; TOPMed 0.00043.
gnomAD v4.1: 51 of 1,613,836 alleles (0.0032%); highest among the groups gnomAD compares: Admixed American, 0.053%; no homozygotes.

Submission:

PreventionGenetics, part of Exact Sciences
Classification: Likely benign for TANC2-related condition. Last evaluated: 2019-08-06. Review status: no assertion criteria provided. Collection method: clinical testing. Allele origin: germline.
Comment: This variant is classified as likely benign based on ACMG/AMP sequence variant interpretation guidelines (Richards et al. 2015 PMID: 25741868, with internal and published modifications).